The following is an entry in ClinVar:

NM_001267550.2(TTN):c.107451G>A (p.Ser35817=)

Genes: TTN (titin; minus strand), TTN-AS1 (TTN antisense RNA 1; plus strand). Cytogenetic location: 2q31.2.
Variant type: single nucleotide variant.
Coding change: c.107451G>A on transcript NM_001267550.2 (MANE Select); coding-DNA position 107451, G replaced by A.
Protein change: p.Ser35817=; no amino-acid change (serine 35817 retained).
Molecular consequence: synonymous variant.
Genome position (GRCh38, 1-based): chr2:178,527,675, C>T on the plus strand (G>A on the coding strand, the complement: TTN is on the minus strand). VCF-style: chr2-178527675-C-T. GRCh37 (hg19) VCF-style: chr2-179392402-C-T.
Other names: c.102528G>A, p.Ser34176= (NM_001256850.1); c.80256G>A, p.Ser26752= (NM_003319.4); c.99747G>A, p.Ser33249= (NM_133378.4); c.80631G>A, p.Ser26877= (NM_133432.3); c.80832G>A, p.Ser26944= (NM_133437.4).
Identifiers: ClinVar variation 1152336 (VCV001152336.35), dbSNP rs762942579, ClinGen allele CA1984934.

ClinVar aggregate classification (germline): Likely benign. Review status: criteria provided, multiple submitters, no conflicts (2 of 4 stars). 5 submissions from 5 submitters: Likely benign (5). Last evaluated 2025-04-21.

Conditions:
Cardiovascular phenotype. Identifiers: MedGen CN230736.
Dilated cardiomyopathy 1G (CMD1G). Identifiers: Orphanet 154, MedGen C1858763, MONDO:0011400, OMIM 604145.
Autosomal recessive limb-girdle muscular dystrophy type 2J (LGMDR10). Also called: MUSCULAR DYSTROPHY, LIMB-GIRDLE, AUTOSOMAL RECESSIVE 10; Limb-girdle muscular dystrophy, type 2J. Identifiers: Orphanet 140922, MedGen C1837342, MONDO:0012127, OMIM 608807.

Allele frequency attached by ClinVar (database versions not stated): gnomAD 0.00001; TOPMed 0.00001; ExAC 0.00002; gnomAD exomes 0.00002; 1000 Genomes Project 30x 0.00016.
gnomAD v4.1: 25 of 1,613,500 alleles (0.0015%); highest among the groups gnomAD compares: East Asian, 0.02%; no homozygotes.

Submissions (5):

Labcorp Genetics (formerly Invitae), Labcorp
Classification: Likely benign for Dilated cardiomyopathy 1G; Autosomal recessive limb-girdle muscular dystrophy type 2J. Last evaluated: 2025-04-21. Review status: criteria provided, single submitter. Criteria: Invitae Variant Classification Sherloc (09022015). Collection method: clinical testing. Allele origin: germline.

Women's Health and Genetics/Laboratory Corporation of America, LabCorp
Classification: Likely benign. Last evaluated: 2025-04-14. Review status: criteria provided, single submitter. Criteria: LabCorp Variant Classification Summary - May 2015. Collection method: clinical testing. Allele origin: germline.

Ambry Genetics
Classification: Likely benign for Cardiovascular phenotype. Last evaluated: 2024-11-27. Review status: criteria provided, single submitter. Criteria: Ambry Variant Classification Scheme 2023. Collection method: clinical testing. Allele origin: germline.

CeGaT Center for Human Genetics Tuebingen
Classification: Likely benign. Last evaluated: 2024-04-01. Review status: criteria provided, single submitter. Criteria: CeGaT Center For Human Genetics Tuebingen Variant Classification Criteria Version 2. Collection method: clinical testing. Allele origin: germline. Affected: yes. Observed: 1 variant allele.
Comment: TTN: BP4, BP7

GeneDx
Classification: Likely benign. Last evaluated: 2020-02-05. Review status: criteria provided, single submitter. Criteria: GeneDx Variant Classification Process June 2021. Collection method: clinical testing. Allele origin: germline. Affected: yes.